The following is an entry in ClinVar:

NM_006445.4(PRPF8):c.1270A>C (p.Ile424Leu)

Gene: PRPF8 (pre-mRNA processing factor 8; minus strand). Cytogenetic location: 17p13.3.
Variant type: single nucleotide variant.
Coding change: c.1270A>C on transcript NM_006445.4 (MANE Select); coding-DNA position 1270, A replaced by C.
Protein change: p.Ile424Leu; replaces isoleucine 424 with leucine.
Molecular consequence: missense variant.
Genome position (GRCh38, 1-based): chr17:1,679,628, T>G on the plus strand (A>C on the coding strand, the complement: PRPF8 is on the minus strand). VCF-style: chr17-1679628-T-G. GRCh37 (hg19) VCF-style: chr17-1582922-T-G.
Other names: short protein forms I424L.
Identifiers: ClinVar variation 3658671 (VCV003658671.2).
Genomic context (GRCh38, chr17:1,679,628, plus strand): 5'-ACATCCACTATCATTCCCCCTGCCACAGGGAAAAACCTTACCAGTTCTTGACAAGGGGTA[T>G]GTCCAGGGCCCGACGGGTGCGACCAGAGCGTAGGTTGAAGGGCCGCGGGGCCCAGAGCAG-3'
Protein context (NP_006436.3, residues 414-434): RSGRTRRALD[Ile424Leu]PLVKNWYREH

ClinVar aggregate classification (germline): Uncertain significance (1 of 4 stars; one submission).

gnomAD v4.1: 1 of 1,613,672 alleles (0.000062%); highest among the groups gnomAD compares: Non-Finnish European, 0.000085%; no homozygotes.

Submission:

Labcorp Genetics (formerly Invitae), Labcorp
Classification: Uncertain significance. Last evaluated: 2024-07-17. Review status: criteria provided, single submitter. Criteria: Invitae Variant Classification Sherloc (09022015). Collection method: clinical testing. Allele origin: germline.
Comment: This sequence change replaces isoleucine, which is neutral and non-polar, with leucine, which is neutral and non-polar, at codon 424 of the PRPF8 protein (p.Ile424Leu). This variant is not present in population databases (gnomAD no frequency). This variant has not been reported in the literature in individuals affected with PRPF8-related conditions. Advanced modeling of protein sequence and biophysical properties (such as structural, functional, and spatial information, amino acid conservation, physicochemical variation, residue mobility, and thermodynamic stability) performed at Invitae indicates that this missense variant is not expected to disrupt PRPF8 protein function with a negative predictive value of 80%. In summary, the available evidence is currently insufficient to determine the role of this variant in disease. Therefore, it has been classified as a Variant of Uncertain Significance.